The following is an entry in ClinVar:

NM_001135629.3(PPP1R21):c.1469A>G (p.Asn490Ser)

Gene: PPP1R21 (protein phosphatase 1 regulatory subunit 21; plus strand). Cytogenetic location: 2p16.3.
Variant type: single nucleotide variant.
Coding change: c.1469A>G on transcript NM_001135629.3 (MANE Select); coding-DNA position 1469, A replaced by G.
Protein change: p.Asn490Ser; replaces asparagine 490 with serine.
Molecular consequence: missense variant. On other transcripts: non-coding transcript variant (1).
Genome position (GRCh38, 1-based): chr2:48,491,040, A>G. VCF-style: chr2-48491040-A-G. GRCh37 (hg19) VCF-style: chr2-48718179-A-G.
Other names: NC_000002.11:g.48718179A>G; c.1469A>G, p.Asn490Ser (NM_001193475.2, NM_152994.5); short protein forms N490S.
Identifiers: ClinVar variation 2351977 (VCV002351977.4), dbSNP rs376692989, ClinGen allele CA1651351.

ClinVar aggregate classification (germline): Uncertain significance. Review status: criteria provided, multiple submitters, no conflicts (2 of 4 stars). 2 submissions from 2 submitters: Uncertain significance (2). Last evaluated 2024-05-24.

Conditions:
Inborn genetic diseases. Identifiers: MedGen C0950123, MeSH D030342.

Allele frequency attached by ClinVar (database versions not stated): gnomAD 0.00001; TOPMed 0.00003; gnomAD exomes 0.00005; ExAC 0.00009.
gnomAD v4.1: 88 of 1,613,972 alleles (0.0055%); highest among the groups gnomAD compares: Middle Eastern, 0.049%; no homozygotes.

Submissions (4):

GeneDx
Classification: Uncertain significance. Last evaluated: 2024-05-24. Review status: criteria provided, single submitter. Criteria: GeneDx Variant Classification Process June 2021. Collection method: clinical testing. Allele origin: germline. Affected: yes.
Comment: In silico analysis indicates that this missense variant does not alter protein structure/function; Has not been previously published as pathogenic or benign to our knowledge

Ambry Genetics
Classification: Uncertain significance for Inborn genetic diseases. Last evaluated: 2022-01-31. Review status: criteria provided, single submitter. Criteria: Ambry Variant Classification Scheme 2023. Collection method: clinical testing. Allele origin: germline.

Dr. Peter K. Rogan Lab, Western University
No classification provided (evidence only). Condition: Lung cancer. Review status: no classification provided. Collection method: in vitro. Allele origin: not applicable. Functional consequence: retained intron. Not counted in ClinVar's aggregate classification.

Dr. Peter K. Rogan Lab, Western University
No classification provided (evidence only). Condition: Thyroid cancer, nonmedullary, 1. Review status: no classification provided. Collection method: in vitro. Allele origin: not applicable. Functional consequence: retained intron. Not counted in ClinVar's aggregate classification.